The following is an entry in ClinVar:

ClinVar aggregate classification (germline): Benign/Likely benign. Review status: criteria provided, multiple submitters, no conflicts (2 of 4 stars). 11 submissions from 10 submitters: Benign (5); Likely benign (2). 4 of the submissions do not count toward it. Last evaluated 2026-09-01.

Conditions:
Acroosteolysis-keloid-like lesions-premature aging syndrome. Also called: Premature aging syndrome, Penttinen type; Prematurely aged appearance, delayed bone maturation, acro-osteolysis, and brachydactyly; Progeroid syndrome, Penttinen type. Identifiers: Orphanet 363665, MedGen C1866182, MONDO:0011150, OMIM 601812.
Skeletal overgrowth-craniofacial dysmorphism-hyperelastic skin-white matter lesions syndrome. Also called: SKELETAL OVERGROWTH WITH FACIAL DYSMORPHISM, HYPERELASTIC SKIN, WHITE MATTER LESIONS, AND NEUROLOGIC DETERIORATION; Kosaki overgrowth syndrome. Identifiers: Orphanet 477831, MedGen C4225270, MONDO:0014704, OMIM 616592.
Basal ganglia calcification, idiopathic, 4 (PFBC4). Also called: Familial Idiopathic Basal Ganglia Calcification 4; PRIMARY FAMILIAL BRAIN CALCIFICATION 4, AUTOSOMAL DOMINANT. Identifiers: Orphanet 1980, MedGen C3554321, MONDO:0014004, OMIM 615007.
Infantile myofibromatosis (IMF). Also called: Congenital generalized fibromatosis. Identifiers: Orphanet 2591, MedGen C0432284, MONDO:0016824.
Myofibromatosis, infantile, 1. Also called: Myofibromatosis, juvenile. Identifiers: Orphanet 2591, MedGen C4551572, MONDO:0009227, OMIM 228550.
PDGFRB-related disorder. Also called: PDGFRB-related condition.
Myeloproliferative disorder, chronic, with eosinophilia. Also called: EOSINOPHILS, MALIGNANT PROLIFERATION OF; Malignant eosinophil proliferation. Identifiers: MedGen C1851585, MONDO:0007546, OMIM 131440, HP:0006782.

Allele frequency attached by ClinVar (database versions not stated): 1000 Genomes Project 30x 0.00547; gnomAD 0.00793 and 0.00775; gnomAD exomes 0.00777 and 0.01071; ESP Exome Variant Server 0.00838; 1000 Genomes Project 0.00479; TOPMed 0.00733; ExAC 0.00764.
gnomAD v4.1: 16,704 of 1,606,436 alleles (1%); highest among the groups gnomAD compares: Non-Finnish European, 1.2%; 108 homozygotes.

Submissions (11):

CeGaT Center for Human Genetics Tuebingen
Classification: Benign. Last evaluated: 2026-09-01. Review status: criteria provided, single submitter. Criteria: CeGaT Center For Human Genetics Tuebingen Variant Classification Criteria Version 2. Collection method: clinical testing. Allele origin: germline. Affected: yes. Observed: 24 variant alleles.
Comment: PDGFRB: BP4, BP7, BS1, BS2

Labcorp Genetics (formerly Invitae), Labcorp
Classification: Benign for Basal ganglia calcification, idiopathic, 4; Skeletal overgrowth-craniofacial dysmorphism-hyperelastic skin-white matter lesions syndrome; Infantile myofibromatosis; Acroosteolysis-keloid-like lesions-premature aging syndrome. Last evaluated: 2026-01-22. Review status: criteria provided, single submitter. Criteria: Invitae Variant Classification Sherloc (09022015). Collection method: clinical testing. Allele origin: germline.

KCCC/NGS Laboratory, Kuwait Cancer Control Center
Classification: Benign for Myofibromatosis, infantile, 1. Last evaluated: 2025-02-01. Review status: criteria provided, single submitter. Criteria: ACMG Guidelines, 2015. Collection method: clinical testing. Allele origin: germline. Affected: no.

KCCC/NGS Laboratory, Kuwait Cancer Control Center
Classification: Benign for Myeloproliferative disorder, chronic, with eosinophilia. Last evaluated: 2023-07-07. Review status: criteria provided, single submitter. Criteria: ACMG Guidelines, 2015. Collection method: clinical testing. Allele origin: germline. Affected: yes.

Mayo Clinic Laboratories, Mayo Clinic
Classification: Benign. Last evaluated: 2023-04-11. Review status: criteria provided, single submitter. Criteria: ACMG Guidelines, 2015. Collection method: clinical testing. Allele origin: germline. Observed: 18 variant alleles.
Comment: BS1, BS2, BP4, BP7

GeneDx
Classification: Likely benign. Last evaluated: 2021-03-12. Review status: criteria provided, single submitter. Criteria: GeneDx Variant Classification Process June 2021. Collection method: clinical testing. Allele origin: germline. Affected: yes.

Breakthrough Genomics
Classification: Likely benign. Review status: criteria provided, single submitter. Criteria: ACMG Guidelines, 2015. Collection method: not provided. Allele origin: germline. Inheritance: Autosomal dominant inheritance. Affected: yes.

PreventionGenetics, part of Exact Sciences
Classification: Benign for PDGFRB-related condition. Last evaluated: 2019-07-02. Review status: no assertion criteria provided. Collection method: clinical testing. Allele origin: germline. Not counted in ClinVar's aggregate classification.
Comment: This variant is classified as benign based on ACMG/AMP sequence variant interpretation guidelines (Richards et al. 2015 PMID: 25741868, with internal and published modifications).

Clinical Genetics DNA and cytogenetics Diagnostics Lab, Erasmus MC, Erasmus Medical Center
Classification: Likely benign. Review status: no assertion criteria provided. Collection method: clinical testing. Allele origin: germline. Affected: yes. Study: VKGL Data-share Consensus. Not counted in ClinVar's aggregate classification.

Genome Diagnostics Laboratory, Amsterdam University Medical Center
Classification: Benign. Review status: no assertion criteria provided. Collection method: clinical testing. Allele origin: germline. Affected: yes. Study: VKGL Data-share Consensus. Not counted in ClinVar's aggregate classification.

Joint Genome Diagnostic Labs from Nijmegen and Maastricht, Radboudumc and MUMC+
Classification: Benign. Review status: no assertion criteria provided. Collection method: clinical testing. Allele origin: germline. Affected: yes. Study: VKGL Data-share Consensus. Not counted in ClinVar's aggregate classification.

NM_002609.4(PDGFRB):c.1149G>C (p.Leu383=)

Gene: PDGFRB (platelet derived growth factor receptor beta; minus strand). Cytogenetic location: 5q32.
Variant type: single nucleotide variant.
Coding change: c.1149G>C on transcript NM_002609.4 (MANE Select); coding-DNA position 1149, G replaced by C.
Protein change: p.Leu383=; no amino-acid change (leucine 383 retained).
Molecular consequence: synonymous variant.
Genome position (GRCh38, 1-based): chr5:150,132,073, C>G on the plus strand (G>C on the coding strand, the complement: PDGFRB is on the minus strand). VCF-style: chr5-150132073-C-G. GRCh37 (hg19) VCF-style: chr5-149511636-C-G.
Other names: p.Leu383=; c.957G>C, p.Leu319= (NM_001355016.2); c.666G>C, p.Leu222= (NM_001355017.2).
Identifiers: ClinVar variation 473400 (VCV000473400.46), dbSNP rs2228439, ClinGen allele CA3508071.
Genomic context (GRCh38, chr5:150,132,073, plus strand): 5'-AGCATCCTCATGGAAGGCCCGCATGGTGTAGTGGCCAGCCTCTGCCACCTTCACGCGAAC[C>G]AGTGTCAGCTCTGACACATACCTGGGGAGCAGGAAAGGCAGCTGTCAGAGTCGGAAGGAC-3'
Protein context (NP_002600.1, residues 373-393): SETRYVSELT[Leu383=]VRVKVAEAGH